The following is an entry in ClinVar:

NM_001199799.2(ILDR1):c.1147C>T (p.Arg383Trp)

Gene: ILDR1 (immunoglobulin like domain containing receptor 1; minus strand). Cytogenetic location: 3q13.33.
Variant type: single nucleotide variant.
Coding change: c.1147C>T on transcript NM_001199799.2 (MANE Select); coding-DNA position 1147, C replaced by T.
Protein change: p.Arg383Trp; replaces arginine 383 with tryptophan.
Molecular consequence: missense variant.
Genome position (GRCh38, 1-based): chr3:121,993,602, G>A on the plus strand (C>T on the coding strand, the complement: ILDR1 is on the minus strand). VCF-style: chr3-121993602-G-A. GRCh37 (hg19) VCF-style: chr3-121712449-G-A.
Other names: c.880C>T, p.Arg294Trp (NM_001199800.2); c.1015C>T, p.Arg339Trp (NM_175924.4); short protein forms R383W, R294W, R339W.
Identifiers: ClinVar variation 4988582 (VCV004988582.1).

ClinVar aggregate classification (germline): Uncertain significance (1 of 4 stars; one submission).

Conditions:
ILDR1-related disorder. Also called: ILDR1-related condition.

gnomAD v4.1: 125 of 1,614,184 alleles (0.0077%); highest among the groups gnomAD compares: Middle Eastern, 0.033%; no homozygotes.

Submission:

PreventionGenetics, part of Exact Sciences
Classification: Uncertain significance for ILDR1-related condition. Last evaluated: 2025-12-03. Review status: criteria provided, single submitter. Criteria: ACMG Guidelines, 2015. Collection method: clinical testing. Allele origin: germline.
Comment: The ILDR1 c.1147C>T variant is predicted to result in the amino acid substitution p.Arg383Trp. To our knowledge, this variant has not been reported in the literature. This variant is reported in 0.013% of alleles in individuals of South Asian descent in gnomAD. At this time, the clinical significance of this variant is uncertain due to the absence of conclusive functional and genetic evidence.